The following is an entry in ClinVar:

NM_172107.4(KCNQ2):c.1247+113C>T

Gene: KCNQ2 (potassium voltage-gated channel subfamily Q member 2; minus strand). Cytogenetic location: 20q13.33.
Variant type: single nucleotide variant.
Coding change: c.1247+113C>T on transcript NM_172107.4 (MANE Select); 113 bases into the intron after coding-DNA position 1247, C replaced by T.
Molecular consequence: intron variant.
Genome position (GRCh38, 1-based): chr20:63,424,064, G>A on the plus strand (C>T on the coding strand, the complement: KCNQ2 is on the minus strand). VCF-style: chr20-63424064-G-A. GRCh37 (hg19) VCF-style: chr20-62055417-G-A.
Other names: c.1217+113C>T (NM_004518.6); c.1247+113C>T (NM_172108.5, NM_172106.3).
Identifiers: ClinVar variation 675061 (VCV000675061.4), dbSNP rs6089910, ClinGen allele CA9958536.
Genomic context (GRCh38, chr20:63,424,064, plus strand): 5'-TTTAAGGGCCCACATCACCGCCAGGCGGGGGTCTGGACCCGCAGTCACACAGTCACACAC[G>A]GAAGCACACACAAGGCCCTCACATCTCCATGACAGGTTGCGCACACGTGTGGGAGAGAGA-3'

ClinVar aggregate classification (germline): Benign. Review status: criteria provided, multiple submitters, no conflicts (2 of 4 stars). 3 submissions from 3 submitters: Benign (3). Last evaluated 2024-07-15.

Allele frequency attached by ClinVar (database versions not stated): 1000 Genomes Project 0.12440; 1000 Genomes Project 30x 0.12570; TOPMed 0.19055; gnomAD 0.20677 and 0.21118; ExAC 0.24426.
gnomAD v4.1: 323,700 of 1,207,776 alleles (27%); highest among the groups gnomAD compares: Non-Finnish European, 31%; 48,338 homozygotes.

Submissions (3):

Unidad de Genómica Garrahan, Hospital de Pediatría Garrahan
Classification: Benign. Last evaluated: 2024-07-15. Review status: criteria provided, single submitter. Criteria: ACMG Guidelines, 2015. Collection method: clinical testing. Allele origin: germline. Affected: no. Observed: 24 variant alleles.
Comment: This variant is classified as Benign based on local population frequency. This variant was detected in 26% of patients studied in a panel designed for Epileptic and Developmental Encephalopathy and Progressive Myoclonus Epilepsy. Number of patients: 24. Only high quality variants are reported.

GeneDx
Classification: Benign. Last evaluated: 2018-06-14. Review status: criteria provided, single submitter. Criteria: GeneDx Variant Classification (06012015). Collection method: clinical testing. Allele origin: germline. Affected: yes.
Comment: This variant is considered likely benign or benign based on one or more of the following criteria: it is a conservative change, it occurs at a poorly conserved position in the protein, it is predicted to be benign by multiple in silico algorithms, and/or has population frequency not consistent with disease.

Breakthrough Genomics
Classification: Benign. Review status: criteria provided, single submitter. Criteria: ACMG Guidelines, 2015. Collection method: not provided. Allele origin: germline. Inheritance: Autosomal dominant inheritance. Affected: yes.